The following is an entry in ClinVar:

ClinVar aggregate classification (germline): Conflicting classifications of pathogenicity. Review status: criteria provided, conflicting classifications (1 of 4 stars). 6 submissions from 6 submitters: Uncertain significance (1); Likely benign (3). 2 of the submissions do not count toward it. Last evaluated 2026-01-14.

Conditions:
Charcot-Marie-Tooth disease axonal type 2V. Also called: CHARCOT-MARIE-TOOTH NEUROPATHY, TYPE 2V; CHARCOT-MARIE-TOOTH DISEASE, AXONAL, AUTOSOMAL DOMINANT, TYPE 2V. Identifiers: Orphanet 447964, MedGen C5569050, MONDO:0014665, OMIM 616491.
Mucopolysaccharidosis, MPS-III-B (MPS3B). Also called: Mucopolysaccharidosis type IIIB (Sanfilippo B); MPS IIIB (Sanfilippo Syndrome Type B); MPS III B; N-ACETYL-ALPHA-D-GLUCOSAMINIDASE DEFICIENCY; NAGLU DEFICIENCY; MUCOPOLYSACCHARIDOSIS, TYPE IIIB. Identifiers: Orphanet 79270, MedGen C0086648, MONDO:0009656, OMIM 252920.
NAGLU-related disorder. Also called: NAGLU-related condition.

Allele frequency attached by ClinVar (database versions not stated): ESP Exome Variant Server 0.00008; gnomAD exomes 0.00014 and 0.00028; TOPMed 0.00014; ExAC 0.00016; gnomAD 0.00016.

Submissions (6):

Labcorp Genetics (formerly Invitae), Labcorp
Classification: Likely benign for Charcot-Marie-Tooth disease axonal type 2V; Mucopolysaccharidosis, MPS-III-B. Last evaluated: 2026-01-14. Review status: criteria provided, single submitter. Criteria: Invitae Variant Classification Sherloc (09022015). Collection method: clinical testing. Allele origin: germline.

Women's Health and Genetics/Laboratory Corporation of America, LabCorp
Classification: Likely benign. Last evaluated: 2025-10-13. Review status: criteria provided, single submitter. Criteria: LabCorp Variant Classification Summary - May 2015. Collection method: clinical testing. Allele origin: germline.

Blueprint Genetics
Classification: Likely benign. Last evaluated: 2024-11-15. Review status: criteria provided, single submitter. Criteria: ACMG Guidelines, 2015. Collection method: clinical testing. Allele origin: germline.

Illumina Laboratory Services, Illumina
Classification: Uncertain significance for Mucopolysaccharidosis, MPS-III-B. Last evaluated: 2018-01-13. Review status: criteria provided, single submitter. Criteria: ICSL Variant Classification Criteria 13 December 2019. Collection method: clinical testing. Allele origin: germline.

Natera, Inc.
Classification: Likely benign for Mucopolysaccharidosis type IIIB. Last evaluated: 2020-12-29. Review status: no assertion criteria provided. Collection method: clinical testing. Allele origin: germline. Not counted in ClinVar's aggregate classification.

PreventionGenetics, part of Exact Sciences
Classification: Likely benign for NAGLU-related condition. Last evaluated: 2019-10-28. Review status: no assertion criteria provided. Collection method: clinical testing. Allele origin: germline. Not counted in ClinVar's aggregate classification.
Comment: This variant is classified as likely benign based on ACMG/AMP sequence variant interpretation guidelines (Richards et al. 2015 PMID: 25741868, with internal and published modifications).

NM_000263.4(NAGLU):c.1662C>T (p.Pro554=)

Gene: NAGLU (N-acetyl-alpha-glucosaminidase; plus strand). Cytogenetic location: 17q21.2.
Variant type: single nucleotide variant.
Coding change: c.1662C>T on transcript NM_000263.4 (MANE Select); coding-DNA position 1662, C replaced by T.
Protein change: p.Pro554=; no amino-acid change (proline 554 retained).
Molecular consequence: synonymous variant.
Genome position (GRCh38, 1-based): chr17:42,543,668, C>T. VCF-style: chr17-42543668-C-T. GRCh37 (hg19) VCF-style: chr17-40695686-C-T.
Identifiers: ClinVar variation 323302 (VCV000323302.24), dbSNP rs368521316, ClinGen allele CA8577069.